The following is an entry in ClinVar:

ClinVar aggregate classification (germline): Uncertain significance (1 of 4 stars; one submission).

Conditions:
Stormorken syndrome (STRMK). Also called: THROMBOCYTOPATHY, ASPLENIA, AND MIOSIS. Identifiers: Orphanet 3204, MedGen C1861451, MONDO:0008497, OMIM 185070.
Combined immunodeficiency due to STIM1 deficiency. Also called: STIM1 DEFICIENCY; IMMUNODEFICIENCY 10. Identifiers: Orphanet 169090, Orphanet 317430, MedGen C2748557, MONDO:0013008, OMIM 612783.
Myopathy with tubular aggregates (TAM). Also called: Tubular Aggregate Myopathy. Identifiers: Orphanet 2593, MedGen C0410207, MONDO:0008051.

Submission:

Labcorp Genetics (formerly Invitae), Labcorp
Classification: Uncertain significance for Myopathy with tubular aggregates; Combined immunodeficiency due to STIM1 deficiency; Stormorken syndrome. Last evaluated: 2023-12-11. Review status: criteria provided, single submitter. Criteria: Invitae Variant Classification Sherloc (09022015). Collection method: clinical testing. Allele origin: germline.
Comment: This sequence change replaces phenylalanine, which is neutral and non-polar, with tyrosine, which is neutral and polar, at codon 48 of the STIM1 protein (p.Phe48Tyr). This variant is not present in population databases (gnomAD no frequency). This variant has not been reported in the literature in individuals affected with STIM1-related conditions. Advanced modeling of protein sequence and biophysical properties (such as structural, functional, and spatial information, amino acid conservation, physicochemical variation, residue mobility, and thermodynamic stability) performed at Invitae indicates that this missense variant is expected to disrupt STIM1 protein function with a positive predictive value of 80%. In summary, the available evidence is currently insufficient to determine the role of this variant in disease. Therefore, it has been classified as a Variant of Uncertain Significance.

NM_001382567.1(STIM1):c.143T>A (p.Phe48Tyr)

Gene: STIM1 (stromal interaction molecule 1; plus strand). Cytogenetic location: 11p15.4.
Variant type: single nucleotide variant.
Coding change: c.143T>A on transcript NM_001382567.1 (MANE Select); coding-DNA position 143, T replaced by A.
Protein change: p.Phe48Tyr; replaces phenylalanine 48 with tyrosine.
Molecular consequence: missense variant. On other transcripts: 5 prime UTR variant (8), non-coding transcript variant (3), intron variant (4).
Genome position (GRCh38, 1-based): chr11:3,967,555, T>A. VCF-style: chr11-3967555-T-A. GRCh37 (hg19) VCF-style: chr11-3988785-T-A.
Other names: c.143T>A, p.Phe48Tyr (NM_001277961.3, NM_001277962.2, NM_001382568.1 and 3 more transcripts); c.-80T>A (NM_001382566.1, NM_001382573.1, NM_001382574.1 and 5 more transcripts); c.-219-56318T>A (NM_001382580.1, NM_001382581.1); c.136-56318T>A (NM_001382569.1); c.-98-56318T>A (NM_001382571.1); short protein forms F48Y.
Identifiers: ClinVar variation 2951479 (VCV002951479.3), dbSNP rs2497421754, ClinGen allele CA379484837.